The following is an entry in ClinVar:

ClinVar aggregate classification (germline): Benign/Likely benign. Review status: criteria provided, multiple submitters, no conflicts (2 of 4 stars). 2 submissions from 2 submitters: Benign (1); Likely benign (1). Last evaluated 2025-10-06.

Conditions:
Familial cancer of breast. Also called: Hereditary breast cancer; BREAST CANCER, FAMILIAL; hereditary breast carcinoma. Identifiers: Orphanet 227535, MedGen C0346153, MONDO:0016419, OMIM 114480. Disease mechanism: loss of function.

Allele frequency attached by ClinVar (database versions not stated): ExAC 0.00001.

Submissions (2):

Labcorp Genetics (formerly Invitae), Labcorp
Classification: Likely benign for Familial cancer of breast. Last evaluated: 2025-10-06. Review status: criteria provided, single submitter. Criteria: Invitae Variant Classification Sherloc (09022015). Collection method: clinical testing. Allele origin: germline.

Myriad Genetics, Inc.
Classification: Benign for Familial cancer of breast. Last evaluated: 2025-01-22. Review status: criteria provided, single submitter. Criteria: Myriad Autosomal Dominant, Autosomal Recessive and X-Linked Classification Criteria (2023). Collection method: clinical testing. Allele origin: unknown.
Comment: This variant is considered benign. This variant is a silent/synonymous amino acid change and it is not expected to impact splicing.

NM_024675.4(PALB2):c.3355C>T (p.Leu1119=)

Gene: PALB2 (partner and localizer of BRCA2; minus strand). Cytogenetic location: 16p12.2.
Variant type: single nucleotide variant.
Coding change: c.3355C>T on transcript NM_024675.4 (MANE Select); coding-DNA position 3355, C replaced by T.
Protein change: p.Leu1119=; no amino-acid change (leucine 1119 retained).
Molecular consequence: synonymous variant.
Genome position (GRCh38, 1-based): chr16:23,603,665, G>A on the plus strand (C>T on the coding strand, the complement: PALB2 is on the minus strand). VCF-style: chr16-23603665-G-A. GRCh37 (hg19) VCF-style: chr16-23614986-G-A.
Identifiers: ClinVar variation 241563 (VCV000241563.12), dbSNP rs748338957, ClinGen allele CA7963353.